The following is an entry in ClinVar:

ClinVar aggregate classification (germline): Uncertain significance (1 of 4 stars; one submission).

Submission:

GeneDx
Classification: Uncertain significance. Last evaluated: 2022-07-19. Review status: criteria provided, single submitter. Criteria: GeneDx Variant Classification Process June 2021. Collection method: clinical testing. Allele origin: germline. Affected: yes.
Comment: Not observed at significant frequency in large population cohorts (gnomAD); In silico analysis supports a deleterious effect on splicing; Has not been previously published as pathogenic or benign to our knowledge

NM_000051.4(ATM):c.3403-12_3403-4delinsATTTC

Gene: ATM (ATM serine/threonine kinase; plus strand). Cytogenetic location: 11q22.3.
Variant type: Indel.
Coding change: c.3403-12_3403-4delinsATTTC on transcript NM_000051.4 (MANE Select); 12 bases into the intron before coding-DNA position 3403 through 4 bases into the intron before coding-DNA position 3403, TTTCTTTTT replaced by ATTTC.
Molecular consequence: intron variant.
Genome position (GRCh38, 1-based): chr11:108,280,983-108,280,991, TTTCTTTTT replaced by ATTTC. VCF-style: chr11-108280983-TTTCTTTTT-ATTTC. GRCh37 (hg19) VCF-style: chr11-108151710-TTTCTTTTT-ATTTC.
Other names: c.3403-12_3403-4delinsATTTC (NM_001351834.2).
Identifiers: ClinVar variation 2136010 (VCV002136010.1), dbSNP rs2546868909, ClinGen allele CA2580083007.